The following is an entry in ClinVar:

ClinVar aggregate classification (germline): Uncertain significance (1 of 4 stars; one submission).

gnomAD v4.1: 15 of 1,613,646 alleles (0.00093%); highest among the groups gnomAD compares: Middle Eastern, 0.016%; no homozygotes.

Submission:

Labcorp Genetics (formerly Invitae), Labcorp
Classification: Uncertain significance. Last evaluated: 2024-08-21. Review status: criteria provided, single submitter. Criteria: Invitae Variant Classification Sherloc (09022015). Collection method: clinical testing. Allele origin: germline.
Comment: This sequence change affects codon 755 of the FOCAD mRNA. It is a 'silent' change, meaning that it does not change the encoded amino acid sequence of the FOCAD protein. This variant is present in population databases (rs138610241, gnomAD 0.004%). This variant has not been reported in the literature in individuals affected with FOCAD-related conditions. Experimental studies and prediction algorithms are not available or were not evaluated, and the effect of this variant on mRNA splicing is currently unknown. In summary, the available evidence is currently insufficient to determine the role of this variant in disease. Therefore, it has been classified as a Variant of Uncertain Significance.

NM_001375567.1(FOCAD):c.2265T>C (p.Pro755=)

Gene: FOCAD (focadhesin; plus strand). Cytogenetic location: 9p21.3.
Variant type: single nucleotide variant.
Coding change: c.2265T>C on transcript NM_001375567.1 (MANE Select); coding-DNA position 2265, T replaced by C.
Protein change: p.Pro755=; no amino-acid change (proline 755 retained).
Molecular consequence: synonymous variant.
Genome position (GRCh38, 1-based): chr9:20,874,755, T>C. VCF-style: chr9-20874755-T-C. GRCh37 (hg19) VCF-style: chr9-20874754-T-C.
Other names: c.2160T>C, p.Pro720= (NM_001375568.1, NM_001375570.1); c.2265T>C, p.Pro755= (NM_017794.5).
Identifiers: ClinVar variation 3711315 (VCV003711315.2).